The following is an entry in ClinVar:

ClinVar aggregate classification (germline): Conflicting classifications of pathogenicity. Review status: criteria provided, conflicting classifications (1 of 4 stars). 11 submissions from 11 submitters: Uncertain significance (2); Benign (1); Likely benign (7). 1 of the submissions does not count toward it. Last evaluated 2026-01-31.

Conditions:
TSC2-related disorder. Also called: TSC2-Related Disorders; TSC2-related condition.
Hereditary cancer-predisposing syndrome. Also called: Hereditary Cancer Syndrome; Neoplastic Syndromes, Hereditary; Hereditary neoplastic syndrome; Tumor predisposition. Identifiers: Orphanet 140162, MedGen C0027672, MeSH D009386, MONDO:0015356.
Tuberous sclerosis syndrome (TSC). Also called: Tuberous Sclerosis Complex; Tuberous sclerosis. Identifiers: Orphanet 805, MedGen C0041341, MONDO:0001734.
Tuberous sclerosis 2 (TSC2). Identifiers: Orphanet 805, MedGen C1860707, MONDO:0013199, OMIM 613254.

Allele frequency attached by ClinVar (database versions not stated): TOPMed 0.00002; gnomAD 0.00005; ExAC 0.00007; gnomAD exomes 0.00009.
gnomAD v4.1: 93 of 1,613,372 alleles (0.0058%); highest among the groups gnomAD compares: South Asian, 0.056%; no homozygotes.

Submissions (11):

Labcorp Genetics (formerly Invitae), Labcorp
Classification: Benign for Tuberous sclerosis 2. Last evaluated: 2026-01-31. Review status: criteria provided, single submitter. Criteria: Invitae Variant Classification Sherloc (09022015). Collection method: clinical testing. Allele origin: germline.

PreventionGenetics, part of Exact Sciences
Classification: Likely benign for TSC2-related condition. Last evaluated: 2025-05-27. Review status: criteria provided, single submitter. Criteria: ACMG Guidelines, 2015. Collection method: clinical testing. Allele origin: germline.
Comment: This variant is classified as likely benign based on ACMG/AMP sequence variant interpretation guidelines (Richards et al. 2015 PMID: 25741868, with internal and published modifications).

Myriad Genetics, Inc.
Classification: Likely benign for Tuberous sclerosis 2. Last evaluated: 2025-05-22. Review status: criteria provided, single submitter. Criteria: Myriad Autosomal Dominant, Autosomal Recessive and X-Linked Classification Criteria (2023). Collection method: clinical testing. Allele origin: unknown.
Comment: This variant is considered likely benign. This variant has been observed at a population frequency that is significantly greater than expected given the associated disease prevalence and penetrance.

Color Diagnostics, LLC DBA Color Health
Classification: Uncertain significance for Tuberous sclerosis syndrome. Last evaluated: 2024-04-18. Review status: criteria provided, single submitter. Criteria: ACMG Guidelines, 2015. Collection method: clinical testing. Allele origin: germline.
Comment: This missense variant replaces arginine with glutamine at codon 917 of the TSC2 protein. Computational prediction is inconclusive regarding the impact of this variant on protein structure and function. To our knowledge, functional studies have not been reported for this variant. This variant has not been reported in individuals affected with tuberous sclerosis complex in the literature. This variant has been identified in 23/282194 chromosomes in the general population by the Genome Aggregation Database (gnomAD). The available evidence is insufficient to determine the role of this variant in disease conclusively. Therefore, this variant is classified as a Variant of Uncertain Significance.

Blueprint Genetics
Classification: Likely benign. Last evaluated: 2024-02-16. Review status: criteria provided, single submitter. Criteria: ACMG Guidelines, 2015. Collection method: clinical testing. Allele origin: germline.

All of Us Research Program, National Institutes of Health
Classification: Uncertain significance for Tuberous sclerosis syndrome. Last evaluated: 2023-09-05. Review status: criteria provided, single submitter. Criteria: ACMG Guidelines, 2015. Collection method: clinical testing. Allele origin: germline. Inheritance: Autosomal dominant inheritance. Observed: 4 variant alleles, 4 heterozygotes.
Comment: This study involves interpretation of variants in research participants for the purpose of population health screening. Participant phenotype was not available at the time of variant classification. Additional details can be found in publication PMID: 35346344, PMCID: PMC8962531

Genome-Nilou Lab
Classification: Likely benign for Tuberous sclerosis 2. Last evaluated: 2021-11-07. Review status: criteria provided, single submitter. Criteria: ACMG Guidelines, 2015. Collection method: clinical testing. Allele origin: germline. Affected: no.

Sema4
Classification: Likely benign for Hereditary cancer-predisposing syndrome. Last evaluated: 2021-06-25. Review status: criteria provided, single submitter. Criteria: Sema4 Curation Guidelines. Collection method: curation. Allele origin: germline.

GeneDx
Classification: Likely benign. Last evaluated: 2020-08-04. Review status: criteria provided, single submitter. Criteria: GeneDx Variant Classification Process June 2021. Collection method: clinical testing. Allele origin: germline. Affected: yes.
Comment: This variant is associated with the following publications: (PMID: 15798777)

Ambry Genetics
Classification: Likely benign for Hereditary cancer-predisposing syndrome. Last evaluated: 2018-09-07. Review status: criteria provided, single submitter. Criteria: Ambry Variant Classification Scheme 2023. Collection method: clinical testing. Allele origin: germline.

Tuberous sclerosis database (TSC2)
No classification provided. Condition: TSC. Review status: no classification provided. Criteria: Tuberous Sclerosis Database Assertion Criteria 2015. Collection method: curation. Allele origin: germline. Affected: yes. Not counted in ClinVar's aggregate classification.

NM_000548.5(TSC2):c.2750G>A (p.Arg917Gln)

Gene: TSC2 (TSC complex subunit 2; plus strand). Cytogenetic location: 16p13.3.
Variant type: single nucleotide variant.
Coding change: c.2750G>A on transcript NM_000548.5 (MANE Select); coding-DNA position 2750, G replaced by A.
Protein change: p.Arg917Gln; replaces arginine 917 with glutamine.
Molecular consequence: missense variant.
Genome position (GRCh38, 1-based): chr16:2,076,498, G>A. VCF-style: chr16-2076498-G-A. GRCh37 (hg19) VCF-style: chr16-2126499-G-A.
Other names: p.R917Q:CGG>CAG; c.2750G>A, p.Arg917Gln (NM_001077183.3, NM_001114382.3, NM_001363528.2 and 3 more transcripts); c.2639G>A, p.Arg880Gln (NM_001318827.2); c.2603G>A, p.Arg868Gln (NM_001318829.2); c.2150G>A, p.Arg717Gln (NM_001318831.2); c.2783G>A, p.Arg928Gln (NM_001318832.2); c.2750G>A (NM_000548.4); short protein forms R917Q, R717Q, R880Q, R868Q, R928Q.
Identifiers: ClinVar variation 65065 (VCV000065065.29), dbSNP rs397515046, ClinGen allele CA018086.